The following is an entry in ClinVar:

ClinVar aggregate classification (germline): Pathogenic (1 of 4 stars; one submission).

Conditions:
Cardiovascular phenotype. Identifiers: MedGen CN230736.

Allele frequency attached by ClinVar (database versions not stated): gnomAD exomes below 0.00001.
gnomAD v4.1: 2 of 1,596,522 alleles (0.00013%); highest among the groups gnomAD compares: East Asian, 0.0023%; no homozygotes.

Submission:

Ambry Genetics
Classification: Pathogenic for Cardiovascular phenotype. Last evaluated: 2021-01-11. Review status: criteria provided, single submitter. Criteria: Ambry Variant Classification Scheme 2023. Collection method: clinical testing. Allele origin: germline.
Comment: The p.E288* pathogenic mutation (also known as c.862G>T), located in coding exon 9 of the MYBPC3 gene, results from a G to T substitution at nucleotide position 862. This changes the amino acid from a glutamic acid to a stop codon within coding exon 9. This alteration is expected to result in loss of function by premature protein truncation or nonsense-mediated mRNA decay. As such, this alteration is interpreted as a disease-causing mutation.

NM_000256.3(MYBPC3):c.862G>T (p.Glu288Ter)

Gene: MYBPC3 (myosin binding protein C3; minus strand). Cytogenetic location: 11p11.2.
Variant type: single nucleotide variant.
Coding change: c.862G>T on transcript NM_000256.3 (MANE Select); coding-DNA position 862, G replaced by T.
Protein change: p.Glu288Ter; replaces glutamic acid 288 with a stop codon.
Molecular consequence: nonsense.
Genome position (GRCh38, 1-based): chr11:47,347,469, C>A on the plus strand (G>T on the coding strand, the complement: MYBPC3 is on the minus strand). VCF-style: chr11-47347469-C-A. GRCh37 (hg19) VCF-style: chr11-47369020-C-A.
Other names: short protein forms E288*.
Identifiers: ClinVar variation 1764101 (VCV001764101.2), dbSNP rs1439623464, ClinGen allele CA380333360.
Genomic context (GRCh38, chr11:47,347,469, plus strand): 5'-TGCCACCCAGGACTCACCTCTTTTTCAGCAGTGAGCTGAAGTCCAGAATCCCAGTGTCCT[C>A]ATGGCTATCACTATGGAGAGGGACCCCCAGTGAGGCTGCAGTGAGGGACTGGAAAGGGAT-3'